The following is an entry in ClinVar:

NM_017635.5(KMT5B):c.2530_2532dup (p.Asp844_Phe845insAsp)

Gene: KMT5B (lysine methyltransferase 5B; minus strand). Cytogenetic location: 11q13.2.
Variant type: Duplication.
Coding change: c.2530_2532dup on transcript NM_017635.5 (MANE Select); coding-DNA positions 2530 to 2532, 3 bases duplicated (GAC; older notation c.2530_2532dupGAC).
Protein change: p.Asp844_Phe845insAsp.
Genome position (GRCh38, 1-based): chr11:68,157,814-68,157,816, GTC duplicated on the plus strand (GAC on the coding strand, the reverse complement: KMT5B is on the minus strand). VCF-style (leftmost placement, unchanged base first): chr11-68157813-A-AGTC. GRCh37 (hg19) VCF-style: chr11-67925280-A-AGTC.
Other names: c.2014_2016dup, p.Asp672_Phe673insAsp (NM_001300907.1, NM_001369428.1, NM_001369429.1 and 4 more transcripts); c.1810_1812dup, p.Asp604_Phe605insAsp (NM_001300908.2); c.2530_2532dup, p.Asp844_Phe845insAsp (NM_001369426.1); c.2530_2532dupGAC (NM_017635.3); c.2530_2532dup (NM_017635.3).
Identifiers: ClinVar variation 3535573 (VCV003535573.2).

ClinVar aggregate classification (germline): Uncertain significance. Review status: criteria provided, multiple submitters, no conflicts (2 of 4 stars). 2 submissions from 2 submitters: Uncertain significance (2). Last evaluated 2025-01-09.

Conditions:
Inborn genetic diseases. Identifiers: MedGen C0950123, MeSH D030342.

Submissions (2):

GeneDx
Classification: Uncertain significance. Last evaluated: 2025-01-09. Review status: criteria provided, single submitter. Criteria: GeneDx Variant Classification Process June 2021. Collection method: clinical testing. Allele origin: germline. Affected: yes.
Comment: Not observed at significant frequency in large population cohorts (gnomAD); In-frame deletion of 1 amino acid in a non-repeat region; Has not been previously published as pathogenic or benign to our knowledge

Ambry Genetics
Classification: Uncertain significance for Inborn genetic diseases. Last evaluated: 2024-07-19. Review status: criteria provided, single submitter. Criteria: Ambry Variant Classification Scheme 2023. Collection method: clinical testing. Allele origin: germline.
Comment: The c.2530_2532dupGAC (p.D844dup) alteration is located in exon 11 (coding exon 10) of the KMT5B gene. The alteration consists of an in-frame duplication of 3 nucleotides from position 2530 to 2532, resulting in the duplication of 1 residue. Based on insufficient or conflicting evidence, the clinical significance of this alteration remains unclear.